The following is an entry in ClinVar:

ClinVar aggregate classification (germline): Uncertain significance (1 of 4 stars; one submission).

Conditions:
Autosomal recessive spastic paraplegia type 78. Identifiers: Orphanet 513436, MedGen C5567893, MONDO:0014975, OMIM 617225.
Kufor-Rakeb syndrome (KRS). Also called: PARKINSON DISEASE 9, AUTOSOMAL RECESSIVE, JUVENILE-ONSET. Identifiers: Orphanet 306674, Orphanet 314632, MedGen C1847640, MONDO:0011706, OMIM 606693.

Allele frequency attached by ClinVar (database versions not stated): ExAC 0.00002; gnomAD 0.00002; gnomAD exomes 0.00002; TOPMed 0.00002.
gnomAD v4.1: 26 of 1,614,044 alleles (0.0016%); highest among the groups gnomAD compares: Non-Finnish European, 0.0021%; no homozygotes.

Submission:

Labcorp Genetics (formerly Invitae), Labcorp
Classification: Uncertain significance for Kufor-Rakeb syndrome; Autosomal recessive spastic paraplegia type 78. Last evaluated: 2022-03-12. Review status: criteria provided, single submitter. Criteria: Invitae Variant Classification Sherloc (09022015). Collection method: clinical testing. Allele origin: germline.
Comment: This sequence change replaces glutamine, which is neutral and polar, with lysine, which is basic and polar, at codon 611 of the ATP13A2 protein (p.Gln611Lys). This variant is present in population databases (rs770682887, gnomAD 0.003%). This variant has not been reported in the literature in individuals affected with ATP13A2-related conditions. ClinVar contains an entry for this variant (Variation ID: 465256). Advanced modeling of protein sequence and biophysical properties (such as structural, functional, and spatial information, amino acid conservation, physicochemical variation, residue mobility, and thermodynamic stability) performed at Invitae indicates that this missense variant is not expected to disrupt ATP13A2 protein function. In summary, the available evidence is currently insufficient to determine the role of this variant in disease. Therefore, it has been classified as a Variant of Uncertain Significance.

NM_022089.4(ATP13A2):c.1831C>A (p.Gln611Lys)

Gene: ATP13A2 (ATPase cation transporting 13A2; minus strand). Cytogenetic location: 1p36.13.
Variant type: single nucleotide variant.
Coding change: c.1831C>A on transcript NM_022089.4 (MANE Select); coding-DNA position 1831, C replaced by A.
Protein change: p.Gln611Lys; replaces glutamine 611 with lysine.
Molecular consequence: missense variant.
Genome position (GRCh38, 1-based): chr1:16,992,500, G>T on the plus strand (C>A on the coding strand, the complement: ATP13A2 is on the minus strand). VCF-style: chr1-16992500-G-T. GRCh37 (hg19) VCF-style: chr1-17318995-G-T.
Other names: c.1816C>A, p.Gln606Lys (NM_001141973.3, NM_001141974.3); short protein forms Q611K, Q606K.
Identifiers: ClinVar variation 465256 (VCV000465256.2), dbSNP rs770682887, ClinGen allele CA637075.
Genomic context (GRCh38, chr1:16,992,500, plus strand): 5'-GAGCCCACCCCTCTGCCCTGCACCCAACAGGCCCCCCTCAGCTCACCATTGCCTGCAGCT[G>T]GGGCTCCCAAAGTGGGGGTCTCATCACTGCCAAGACCTGGGTCCCAAATGCTGAGTCTGC-3'
Protein context (NP_071372.1, residues 601-621): AVMRPPLWEP[Gln611Lys]LQAMEEPPVP